The following is an entry in ClinVar:

NM_000091.5(COL4A3):c.971G>A (p.Gly324Asp)

Genes: COL4A3 (collagen type IV alpha 3 chain; plus strand), MFF-DT (MFF divergent transcript; minus strand). Cytogenetic location: 2q36.3.
Variant type: single nucleotide variant.
Coding change: c.971G>A on transcript NM_000091.5 (MANE Select); coding-DNA position 971, G replaced by A.
Protein change: p.Gly324Asp; replaces glycine 324 with aspartic acid.
Molecular consequence: missense variant.
Genome position (GRCh38, 1-based): chr2:227,256,380, G>A. VCF-style: chr2-227256380-G-A. GRCh37 (hg19) VCF-style: chr2-228121096-G-A.
Other names: short protein forms G324D.
Identifiers: ClinVar variation 830019 (VCV000830019.7), dbSNP rs566993466, ClinGen allele CA2146451.

ClinVar aggregate classification (germline): Conflicting classifications of pathogenicity. Review status: criteria provided, conflicting classifications (1 of 4 stars). 5 submissions from 5 submitters: Likely pathogenic (3); Uncertain significance (1). 1 of the submissions does not count toward it. Last evaluated 2025-11-10.

Conditions:
Alport syndrome. Also called: Hemorrhagic familial nephritis; Hemorrhagic hereditary nephritis; Congenital hereditary hematuria. Identifiers: Orphanet 63, MedGen C1567741, MONDO:0018965.
Autosomal dominant Alport syndrome (ATS3A). Also called: Alport syndrome dominant type; Renal failure and sensorineural hearing loss; ALPORT SYNDROME 3A, AUTOSOMAL DOMINANT. Identifiers: Orphanet 63, Orphanet 88918, MedGen C5882663, MONDO:0007086, OMIM 104200.
Alport syndrome 3b, autosomal recessive. Identifiers: MedGen C5882699, MONDO:0957811, OMIM 620536.
Hematuria, benign familial, 2 (BFH2). Identifiers: MedGen C5830421, MONDO:0958186, OMIM 620320.

Allele frequency attached by ClinVar (database versions not stated): gnomAD 0.00001; gnomAD exomes 0.00001 and 0.00002; ExAC 0.00002; 1000 Genomes Project 30x 0.00016; 1000 Genomes Project 0.00020.
gnomAD v4.1: 13 of 1,613,358 alleles (0.00081%); highest among the groups gnomAD compares: South Asian, 0.014%; no homozygotes.

Submissions (5):

Myriad Genetics, Inc.
Classification: Likely pathogenic for Alport syndrome. Last evaluated: 2025-11-10. Review status: criteria provided, single submitter. Criteria: Myriad Autosomal Dominant, Autosomal Recessive and X-Linked Classification Criteria (2023). Collection method: clinical testing. Allele origin: unknown.
Comment: NM_000091.4(COL4A3):c.971G>A(G324D) is a missense variant classified as likely pathogenic in the context of Alport syndrome, COL4A3-related. G324D has been observed in a case with relevant disease (PMID: 31144478). Relevant functional assessments of this variant are not available in the literature. Internal structural analysis of the variant is supportive of pathogenicity. G324D has been observed in referenced population frequency databases. In summary, NM_000091.4(COL4A3):c.971G>A(G324D) is a missense variant that has internal structural support for pathogenicity and has been observed more frequently in cases with the relevant disease than in healthy populations. Please note: this variant was assessed in the context of healthy population screening.

Variantyx, Inc.
Classification: Likely pathogenic for Alport syndrome 3b, autosomal recessive. Last evaluated: 2025-11-07. Review status: criteria provided, single submitter. Criteria: Variantyx Assertion Criteria 2022. Collection method: clinical testing. Allele origin: germline. Inheritance: Autosomal recessive inheritance. Affected: yes.
Comment: This is a nonsynonymous variant in the COL4A3 gene (OMIM: 120070). Pathogenic variants in this gene have been associated with autosomal recessive Alport syndrome 3B. This variant lies within a known hotspot for pathogenic variants or a well-established critical functional domain of the COL4A3 protein (PMID: 35177655, 33854215) (PM1_Strong), and multiple computational algorithms predict a deleterious effect for this variant (REVEL score: 0.935) (PP3). This variant has a 0.0143% maximum allele frequency in non-founder control populations (PM2). It has been reported in the homozygous or compound heterozygous state in one affected individual (PMID:31144478). Based on the current evidence, this variant is classified as likely pathogenic for autosomal recessive Alport syndrome 3B.

Fulgent Genetics
Classification: Likely pathogenic for Autosomal dominant Alport syndrome; Hematuria, benign familial, 2; Alport syndrome 3b, autosomal recessive. Last evaluated: 2024-04-03. Review status: criteria provided, single submitter. Criteria: ACMG Guidelines, 2015. Collection method: clinical testing. Allele origin: germline.

Women's Health and Genetics/Laboratory Corporation of America, LabCorp
Classification: Uncertain significance. Last evaluated: 2024-03-28. Review status: criteria provided, single submitter. Criteria: LabCorp Variant Classification Summary - May 2015. Collection method: clinical testing. Allele origin: germline.
Comment: Variant summary: COL4A3 c.971G>A (p.Gly324Asp) results in a non-conservative amino acid change in the encoded protein sequence. Five of five in-silico tools predict a damaging effect of the variant on protein function. The variant allele was found at a frequency of 2.4e-05 in 249354 control chromosomes. The available data on variant occurrences in the general population are insufficient to allow any conclusion about variant significance. c.971G>A has been reported in the literature in individuals affected with Alport Syndrome, Autosomal Recessive (Shang_2019). These data do not allow any conclusion about variant significance. To our knowledge, no experimental evidence demonstrating an impact on protein function has been reported. The following publication have been ascertained in the context of this evaluation (PMID: 31144478). ClinVar contains an entry for this variant (Variation ID: 830019). Based on the evidence outlined above, the variant was classified as uncertain significance.

Bioscientia Institut fuer Medizinische Diagnostik GmbH, Sonic Healthcare
Classification: Likely pathogenic for Autosomal dominant Alport syndrome. Last evaluated: 2019-10-08. Review status: no assertion criteria provided. Collection method: clinical testing. Allele origin: germline. Affected: yes. Not counted in ClinVar's aggregate classification.

Literature cited by the submitters: PubMed 31144478 (cited by 3 submitters); PubMed 35177655 (cited by Variantyx, Inc.); PubMed 33854215 (cited by Variantyx, Inc.).